The following is an entry in ClinVar:

NM_000478.6(ALPL):c.1189+2T>C

Gene: ALPL (alkaline phosphatase, biomineralization associated; plus strand). Cytogenetic location: 1p36.12.
Variant type: single nucleotide variant.
Coding change: c.1189+2T>C on transcript NM_000478.6 (MANE Select); the canonical splice donor site of the intron after coding-DNA position 1189, T replaced by C.
Molecular consequence: splice donor variant.
Genome position (GRCh38, 1-based): chr1:21,575,926, T>C. VCF-style: chr1-21575926-T-C. GRCh37 (hg19) VCF-style: chr1-21902419-T-C.
Other names: c.1189+2T>C (NM_001369805.2, NM_001369804.2, NM_001369803.2); c.1024+2T>C (NM_001127501.4); c.958+2T>C (NM_001177520.3).
Identifiers: ClinVar variation 5003450 (VCV005003450.1).

ClinVar aggregate classification (germline): Pathogenic (1 of 4 stars; one submission).

Conditions:
Hypophosphatasia. Also called: Phosphoethanol-aminuria. Identifiers: Orphanet 436, MedGen C0020630, MeSH D007014, MONDO:0018570.

gnomAD v4.1: 5 of 1,614,212 alleles (0.00031%); highest among the groups gnomAD compares: Non-Finnish European, 0.00042%; no homozygotes.

Submission:

Myriad Genetics, Inc.
Classification: Pathogenic for Hypophosphatasia. Last evaluated: 2026-01-30. Review status: criteria provided, single submitter. Criteria: Myriad Autosomal Dominant, Autosomal Recessive and X-Linked Classification Criteria (2023). Collection method: clinical testing. Allele origin: unknown.
Comment: NM_000478.4(ALPL):c.1189+2T>C is a variant in a canonical splice site classified as pathogenic in the context of hypophosphatasia. c.1189+2T>C has not been observed in cases with relevant disease. Relevant functional assessments of this variant are not available in the literature. Internal structural analysis of the variant is supportive of pathogenicity. c.1189+2T>C has not been observed in referenced population frequency databases. In summary, NM_000478.4(ALPL):c.1189+2T>C is a variant in a canonical splice site that has internal structural support for pathogenicity and has been observed more frequently in cases with the relevant disease than in healthy populations. Please note: this variant was assessed in the context of healthy population screening.